The following is an entry in ClinVar:

NM_001205293.3(CACNA1E):c.1751+10C>A

Gene: CACNA1E (calcium voltage-gated channel subunit alpha1 E; plus strand). Cytogenetic location: 1q25.3.
Variant type: single nucleotide variant.
Coding change: c.1751+10C>A on transcript NM_001205293.3 (MANE Select); 10 bases into the intron after coding-DNA position 1751, C replaced by A.
Molecular consequence: intron variant.
Genome position (GRCh38, 1-based): chr1:181,719,873, C>A. VCF-style: chr1-181719873-C-A. GRCh37 (hg19) VCF-style: chr1-181689009-C-A.
Other names: c.1751+10C>A (NM_000721.4, NM_001205294.2, NM_000721.3).
Identifiers: ClinVar variation 1592461 (VCV001592461.9), dbSNP rs759729688, ClinGen allele CA527231912.

ClinVar aggregate classification (germline): Likely benign. Review status: criteria provided, multiple submitters, no conflicts (2 of 4 stars). 2 submissions from 2 submitters: Likely benign (2). Last evaluated 2026-03-13.

Conditions:
CACNA1E-related disorder. Also called: CACNA1E-related condition.

Submissions (2):

PreventionGenetics, part of Exact Sciences
Classification: Likely benign for CACNA1E-related condition. Last evaluated: 2026-03-13. Review status: criteria provided, single submitter. Criteria: ACMG Guidelines, 2015. Collection method: clinical testing. Allele origin: germline.
Comment: This variant is classified as likely benign based on ACMG/AMP sequence variant interpretation guidelines (Richards et al. 2015 PMID: 25741868, with internal and published modifications).

Labcorp Genetics (formerly Invitae), Labcorp
Classification: Likely benign. Last evaluated: 2022-02-04. Review status: criteria provided, single submitter. Criteria: Invitae Variant Classification Sherloc (09022015). Collection method: clinical testing. Allele origin: germline.